The following is an entry in ClinVar:

NM_201280.3(BLOC1S5):c.195+8262A>G

Genes: BLOC1S5 (biogenesis of lysosomal organelles complex 1 subunit 5; minus strand), BLOC1S5-TXNDC5 (BLOC1S5-TXNDC5 readthrough (NMD candidate); minus strand), EEF1E1-BLOC1S5 (EEF1E1-BLOC1S5 readthrough (NMD candidate); minus strand). Cytogenetic location: 6p24.3.
Variant type: single nucleotide variant.
Coding change: c.195+8262A>G on transcript NM_201280.3 (MANE Select); 8262 bases into the intron after coding-DNA position 195, A replaced by G.
Molecular consequence: intron variant. On other transcripts: missense variant (1), initiator codon variant (1).
Genome position (GRCh38, 1-based): chr6:8,054,272, T>C on the plus strand (A>G on the coding strand, the complement: BLOC1S5 is on the minus strand). VCF-style: chr6-8054272-T-C. GRCh37 (hg19) VCF-style: chr6-8054505-T-C.
Other names: c.1A>G, p.Met1Val (NM_001199322.1); c.195+8262A>G (NM_001199323.1); short protein forms M1V.
Identifiers: ClinVar variation 3056960 (VCV003056960.2), dbSNP rs75648425, ClinGen allele CA3629885.

ClinVar aggregate classification (germline): Likely benign (0 of 4 stars; one submission).

Conditions:
BLOC1S5-related disorder. Also called: BLOC1S5-related condition.

Allele frequency attached by ClinVar (database versions not stated): ExAC 0.00075; gnomAD exomes 0.00081; 1000 Genomes Project 0.00499; 1000 Genomes Project 30x 0.00500; gnomAD 0.00764; TOPMed 0.00846.
gnomAD v4.1: 1,411 of 452,292 alleles (0.31%); highest among the groups gnomAD compares: African/African-American, 2.6%; 14 homozygotes.

Submission:

PreventionGenetics, part of Exact Sciences
Classification: Likely benign for BLOC1S5-related condition. Last evaluated: 2021-08-26. Review status: no assertion criteria provided. Collection method: clinical testing. Allele origin: germline.
Comment: This variant is classified as likely benign based on ACMG/AMP sequence variant interpretation guidelines (Richards et al. 2015 PMID: 25741868, with internal and published modifications).